The following is an entry in ClinVar:

NM_014633.5(CTR9):c.3244G>A (p.Asp1082Asn)

Gene: CTR9 (CTR9 component of Paf1/RNA polymerase II complex; plus strand). Cytogenetic location: 11p15.4.
Variant type: single nucleotide variant.
Coding change: c.3244G>A on transcript NM_014633.5 (MANE Select); coding-DNA position 3244, G replaced by A.
Protein change: p.Asp1082Asn; replaces aspartic acid 1082 with asparagine.
Molecular consequence: missense variant.
Genome position (GRCh38, 1-based): chr11:10,778,827, G>A. VCF-style: chr11-10778827-G-A. GRCh37 (hg19) VCF-style: chr11-10800374-G-A.
Other names: c.3172G>A, p.Asp1058Asn (NM_001346279.2); short protein forms D1058N, D1082N.
Identifiers: ClinVar variation 1042970 (VCV001042970.11), dbSNP rs138871050, ClinGen allele CA5885553.

ClinVar aggregate classification (germline): Conflicting classifications of pathogenicity. Review status: criteria provided, conflicting classifications (1 of 4 stars). 3 submissions from 3 submitters: Uncertain significance (2); Likely benign (1). Last evaluated 2024-11-11.

Conditions:
Predisposition to Wilms tumor.

Allele frequency attached by ClinVar (database versions not stated): ExAC 0.00006; gnomAD exomes 0.00006 and 0.00007; TOPMed 0.00006; ESP Exome Variant Server 0.00008; gnomAD 0.00009.
gnomAD v4.1: 116 of 1,614,134 alleles (0.0072%); highest among the groups gnomAD compares: Non-Finnish European, 0.0097%; no homozygotes.

Submissions (3):

Labcorp Genetics (formerly Invitae), Labcorp
Classification: Likely benign. Last evaluated: 2024-11-11. Review status: criteria provided, single submitter. Criteria: Invitae Variant Classification Sherloc (09022015). Collection method: clinical testing. Allele origin: germline.

St. Jude Molecular Pathology, St. Jude Children's Research Hospital
Classification: Uncertain significance for Predisposition to Wilms tumor. Last evaluated: 2023-11-28. Review status: criteria provided, single submitter. Criteria: St. Jude Assertion Criteria 2020. Collection method: clinical testing. Allele origin: germline.
Comment: The CTR9 c.3244G>A (p.Asp1082Asn) missense change has a maximum subpopulation frequency of 0.013% in gnomAD v2.1.1. The in silico tool REVEL predicts a benign effect on protein function, but this prediction has not been confirmed by functional studies. This variant has been reported in the literature in at least one individual with Wilms tumor and was described as benign (PMID: 25099282). In summary, the evidence currently available is insufficient to determine the clinical significance of this variant. It has therefore been classified as of uncertain significance.

GeneDx
Classification: Uncertain significance. Last evaluated: 2022-06-01. Review status: criteria provided, single submitter. Criteria: GeneDx Variant Classification Process June 2021. Collection method: clinical testing. Allele origin: germline. Affected: yes.
Comment: In silico analysis supports that this missense variant does not alter protein structure/function; Has not been previously published as pathogenic or benign to our knowledge